The following is an entry in ClinVar:

NM_001378457.1(DMXL2):c.8819G>C (p.Gly2940Ala)

Genes: DMXL2 (Dmx like 2; minus strand), LOC126862131 (MED14-independent group 3 enhancer GRCh37_chr15:51741640-51742839; plus strand). Cytogenetic location: 15q21.2.
Variant type: single nucleotide variant.
Coding change: c.8819G>C on transcript NM_001378457.1 (MANE Select); coding-DNA position 8819, G replaced by C.
Protein change: p.Gly2940Ala; replaces glycine 2940 with alanine.
Molecular consequence: missense variant. On other transcripts: non-coding transcript variant (2).
Genome position (GRCh38, 1-based): chr15:51,450,277, C>G on the plus strand (G>C on the coding strand, the complement: DMXL2 is on the minus strand). VCF-style: chr15-51450277-C-G. GRCh37 (hg19) VCF-style: chr15-51742474-C-G.
Other names: c.8756G>C, p.Gly2919Ala (NM_001174116.3); c.6845G>C, p.Gly2282Ala (NM_001174117.3); c.8816G>C, p.Gly2939Ala (NM_001378458.1); c.8531G>C, p.Gly2844Ala (NM_001378459.1); c.6734G>C, p.Gly2245Ala (NM_001378460.1); c.8753G>C, p.Gly2918Ala (NM_015263.5); c.8756G>C (NM_001174116.1); short protein forms G2844A, G2919A, G2940A, G2245A, G2918A, G2282A, G2939A.
Identifiers: ClinVar variation 2096808 (VCV002096808.4), dbSNP rs773928014, ClinGen allele CA7560887.

ClinVar aggregate classification (germline): Uncertain significance. Review status: criteria provided, multiple submitters, no conflicts (2 of 4 stars). 3 submissions from 3 submitters: Uncertain significance (3). Last evaluated 2023-07-04.

Conditions:
Inborn genetic diseases. Identifiers: MedGen C0950123, MeSH D030342.

Allele frequency attached by ClinVar (database versions not stated): gnomAD 0.00002; ExAC 0.00003; TOPMed 0.00004.
gnomAD v4.1: 31 of 1,613,852 alleles (0.0019%); highest among the groups gnomAD compares: East Asian, 0.036%; 1 homozygote.

Submissions (3):

Clinical Genetics Laboratory, Skane University Hospital Lund
Classification: Uncertain significance. Last evaluated: 2023-07-04. Review status: criteria provided, single submitter. Criteria: ACMG Guidelines, 2015. Collection method: clinical testing. Allele origin: germline. Affected: yes.

Ambry Genetics
Classification: Uncertain significance for Inborn genetic diseases. Last evaluated: 2023-05-17. Review status: criteria provided, single submitter. Criteria: Ambry Variant Classification Scheme 2023. Collection method: clinical testing. Allele origin: germline.

Labcorp Genetics (formerly Invitae), Labcorp
Classification: Uncertain significance. Last evaluated: 2022-06-23. Review status: criteria provided, single submitter. Criteria: Invitae Variant Classification Sherloc (09022015). Collection method: clinical testing. Allele origin: germline.
Comment: This sequence change replaces glycine, which is neutral and non-polar, with alanine, which is neutral and non-polar, at codon 2919 of the DMXL2 protein (p.Gly2919Ala). This variant is present in population databases (rs773928014, gnomAD 0.03%). This variant has not been reported in the literature in individuals affected with DMXL2-related conditions. Algorithms developed to predict the effect of missense changes on protein structure and function are either unavailable or do not agree on the potential impact of this missense change (SIFT: "Tolerated"; PolyPhen-2: "Probably Damaging"; Align-GVGD: "Class C0"). In summary, the available evidence is currently insufficient to determine the role of this variant in disease. Therefore, it has been classified as a Variant of Uncertain Significance.